The following is an entry in ClinVar:

NM_001009944.3(PKD1):c.-77C>A

Gene: PKD1 (polycystin 1, transient receptor potential channel interacting; minus strand). Cytogenetic location: 16p13.3.
Variant type: single nucleotide variant.
Coding change: c.-77C>A on transcript NM_001009944.3 (MANE Select); 77 bases upstream of the start codon, C replaced by A.
Molecular consequence: 5 prime UTR variant.
Genome position (GRCh38, 1-based): chr16:2,135,766, G>T on the plus strand (C>A on the coding strand, the complement: PKD1 is on the minus strand). VCF-style: chr16-2135766-G-T. GRCh37 (hg19) VCF-style: chr16-2185767-G-T.
Other names: c.-77C>A (NM_000296.4).
Identifiers: ClinVar variation 4984740 (VCV004984740.1).

ClinVar aggregate classification (germline): Likely benign (1 of 4 stars; one submission).

Conditions:
PKD1-related disorder. Also called: PKD1-related condition.

gnomAD v4.1: 20 of 950,020 alleles (0.0021%); highest among the groups gnomAD compares: African/African-American, 0.021%; 1 homozygote.

Submission:

PreventionGenetics, part of Exact Sciences
Classification: Likely benign for PKD1-related condition. Last evaluated: 2026-02-20. Review status: criteria provided, single submitter. Criteria: ACMG Guidelines, 2015. Collection method: clinical testing. Allele origin: germline.
Comment: This variant is classified as likely benign based on ACMG/AMP sequence variant interpretation guidelines (Richards et al. 2015 PMID: 25741868, with internal and published modifications).